The following is an entry in ClinVar:

ClinVar aggregate classification (germline): Conflicting classifications of pathogenicity. Review status: criteria provided, conflicting classifications (1 of 4 stars). 6 submissions from 6 submitters: Uncertain significance (4); Likely benign (2). Last evaluated 2026-01-26.

Conditions:
BSND-related disorder. Also called: BSND-related condition.

Allele frequency attached by ClinVar (database versions not stated): gnomAD exomes 0.00006 and 0.00014; ExAC 0.00021; 1000 Genomes Project 30x 0.00031; 1000 Genomes Project 0.00040; TOPMed 0.00056; gnomAD 0.00058 and 0.00061; ESP Exome Variant Server 0.00069.

Submissions (6):

Labcorp Genetics (formerly Invitae), Labcorp
Classification: Likely benign. Last evaluated: 2026-01-26. Review status: criteria provided, single submitter. Criteria: Invitae Variant Classification Sherloc (09022015). Collection method: clinical testing. Allele origin: germline.

PreventionGenetics, part of Exact Sciences
Classification: Likely benign for BSND-related condition. Last evaluated: 2025-06-26. Review status: criteria provided, single submitter. Criteria: ACMG Guidelines, 2015. Collection method: clinical testing. Allele origin: germline.
Comment: This variant is classified as likely benign based on ACMG/AMP sequence variant interpretation guidelines (Richards et al. 2015 PMID: 25741868, with internal and published modifications).

GeneDx
Classification: Uncertain significance. Last evaluated: 2024-12-31. Review status: criteria provided, single submitter. Criteria: GeneDx Variant Classification Process June 2021. Collection method: clinical testing. Allele origin: germline. Affected: yes.
Comment: Has been previously reported in a study to determine if partial loss of function variants are protective to the development of hypertension; has not been published in association with BSND-related disorders (PMID: 17954364); In silico analysis supports that this missense variant has a deleterious effect on protein structure/function; This variant is associated with the following publications: (PMID: 17954364)

Blueprint Genetics
Classification: Uncertain significance. Last evaluated: 2018-11-06. Review status: criteria provided, single submitter. Criteria: ACMG Guidelines, 2015. Collection method: clinical testing. Allele origin: germline.

Eurofins Ntd Llc (ga)
Classification: Uncertain significance. Last evaluated: 2017-04-04. Review status: criteria provided, single submitter. Criteria: EGL Classification Definitions 2015. Collection method: clinical testing. Allele origin: germline. Observed: 1 variant allele, 1 heterozygote.

Laboratory for Molecular Medicine, Mass General Brigham Personalized Medicine
Classification: Uncertain significance. Last evaluated: 2015-08-11. Review status: criteria provided, single submitter. Criteria: LMM Criteria. Collection method: clinical testing. Allele origin: germline. Observed: 2 variant alleles.
Comment: Variant classified as Uncertain Significance - Favor Benign. The p.Gly284Asp var iant in BSND has not been reported in individuals with hearing loss or Bartter s yndrome, but it has been identified in 0.2% (22/10390) African chromosomes by th e Exome Aggregation Consortium (ExAC; dbSNP rs15 0426464). One in vitro functional study provides some evidence that the p.Gly284 Asp variant may have a mild impact on protein function; however, this assay may not accurately represent biological function (Sile 2007). Computational predicti on tools and conservation analyses suggest that the p.Gly284Asp variant may not impact the protein, though this information is not predictive enough to rule out pathogenicity. In summary, while the clinical significance of the p.Gly284Asp v ariant is uncertain, the frequency and computational data suggest that it is mor e likely to be benign.

Literature cited by the submitters: PubMed 17954364 (cited by Laboratory for Molecular Medicine, Mass General Brigham Personalized Medicine).

NM_057176.3(BSND):c.851G>A (p.Gly284Asp)

Gene: BSND (barttin CLCNK type accessory subunit beta; plus strand). Cytogenetic location: 1p32.3.
Variant type: single nucleotide variant.
Coding change: c.851G>A on transcript NM_057176.3 (MANE Select); coding-DNA position 851, G replaced by A.
Protein change: p.Gly284Asp; replaces glycine 284 with aspartic acid.
Molecular consequence: missense variant.
Genome position (GRCh38, 1-based): chr1:55,008,516, G>A. VCF-style: chr1-55008516-G-A. GRCh37 (hg19) VCF-style: chr1-55474189-G-A.
Other names: short protein forms G284D.
Identifiers: ClinVar variation 46551 (VCV000046551.27), dbSNP rs150426464, ClinGen allele CA138606.